The following is an entry in ClinVar:

ClinVar aggregate classification (germline): Uncertain significance (1 of 4 stars; one submission).

Conditions:
Charcot-Marie-Tooth disease type 4. Also called: Charcot-Marie-Tooth disease, type IV; Charcot-Marie-Tooth, Type 4. Identifiers: Orphanet 64749, MedGen C4082197, MONDO:0018995.

Submission:

Labcorp Genetics (formerly Invitae), Labcorp
Classification: Uncertain significance for Charcot-Marie-Tooth disease type 4. Last evaluated: 2021-09-17. Review status: criteria provided, single submitter. Criteria: Invitae Variant Classification Sherloc (09022015). Collection method: clinical testing. Allele origin: germline.
Comment: This variant, c.1023_1052dup, results in the insertion of 10 amino acid(s) to the NDRG1 protein (p.Thr360_Gly369dup), but otherwise preserves the integrity of the reading frame. The frequency data for this variant in the population databases is considered unreliable, as metrics indicate poor data quality at this position in the ExAC database. This variant has not been reported in the literature in individuals affected with NDRG1-related conditions. Experimental studies and prediction algorithms are not available or were not evaluated, and the functional significance of this variant is currently unknown. Algorithms developed to predict the effect of sequence changes on RNA splicing suggest that this variant may create or strengthen a splice site. In summary, the available evidence is currently insufficient to determine the role of this variant in disease. Therefore, it has been classified as a Variant of Uncertain Significance.

NM_006096.4(NDRG1):c.1023_1052dup (p.Gly369_Ala370insThrArgSerArgSerHisThrSerGluGly)

Gene: NDRG1 (N-myc downstream regulated 1; minus strand). Cytogenetic location: 8q24.22.
Variant type: Duplication.
Coding change: c.1023_1052dup on transcript NM_006096.4 (MANE Select); coding-DNA positions 1023 to 1052, 30 bases duplicated (CAGCCGCTCCCACACCAGCGAGGGCACCCG).
Protein change: p.Gly369_Ala370insThrArgSerArgSerHisThrSerGluGly.
Molecular consequence: inframe insertion.
Genome position (GRCh38, 1-based): chr8:133,239,011-133,239,040, CGGGTGCCCTCGCTGGTGTGGGAGCGGCTG duplicated on the plus strand (CAGCCGCTCCCACACCAGCGAGGGCACCCG on the coding strand, the reverse complement: NDRG1 is on the minus strand); duplicating any 30 consecutive bases within chr8:133,239,011-133,239,048 gives the same sequence; the c. name uses the placement nearest the transcript's 3' end. VCF-style (leftmost placement, unchanged base first): chr8-133239010-T-TCGGGTGCCCTCGCTGGTGTGGGAGCGGCTG. GRCh37 (hg19) VCF-style: chr8-134251253-T-TCGGGTGCCCTCGCTGGTGTGGGAGCGGCTG.
Other names: c.1023_1052dup, p.Gly369_Ala370insThrArgSerArgSerHisThrSerGluGly (NM_001135242.2, NM_001374845.1, NM_001374846.1); c.825_854dup, p.Gly303_Ala304insThrArgSerArgSerHisThrSerGluGly (NM_001258432.2, NM_001374847.1); c.780_809dup, p.Gly288_Ala289insThrArgSerArgSerHisThrSerGluGly (NM_001258433.2); c.1074_1103dup, p.Gly386_Ala387insThrArgSerArgSerHisThrSerGluGly (NM_001374844.1).
Identifiers: ClinVar variation 2188988 (VCV002188988.1), dbSNP rs756831222, ClinGen allele CA4886438.